The following is an entry in ClinVar:

NM_000204.5(CFI):c.787G>A (p.Gly263Ser)

Gene: CFI (complement factor I; minus strand). Cytogenetic location: 4q25.
Variant type: single nucleotide variant.
Coding change: c.787G>A on transcript NM_000204.5 (MANE Select); coding-DNA position 787, G replaced by A.
Protein change: p.Gly263Ser; replaces glycine 263 with serine.
Molecular consequence: missense variant. On other transcripts: non-coding transcript variant (3).
Genome position (GRCh38, 1-based): chr4:109,760,366, C>T on the plus strand (G>A on the coding strand, the complement: CFI is on the minus strand). VCF-style: chr4-109760366-C-T. GRCh37 (hg19) VCF-style: chr4-110681522-C-T.
Other names: c.787G>A, p.Gly263Ser (NM_001318057.2, NM_001331035.2, NM_001375278.1 and 5 more transcripts); c.178G>A, p.Gly60Ser (NM_001375284.1); short protein forms G263S, G60S.
Identifiers: ClinVar variation 3617764 (VCV003617764.3).

ClinVar aggregate classification (germline): Conflicting classifications of pathogenicity. Review status: criteria provided, conflicting classifications (1 of 4 stars). 2 submissions from 2 submitters: Uncertain significance (1); Likely benign (1). Last evaluated 2025-04-01.

Conditions:
Inborn genetic diseases. Identifiers: MedGen C0950123, MeSH D030342.

Submissions (2):

Ambry Genetics
Classification: Likely benign for Inborn genetic diseases. Last evaluated: 2025-04-01. Review status: criteria provided, single submitter. Criteria: Ambry Variant Classification Scheme 2023. Collection method: clinical testing. Allele origin: germline.

Labcorp Genetics (formerly Invitae), Labcorp
Classification: Uncertain significance. Last evaluated: 2024-05-23. Review status: criteria provided, single submitter. Criteria: Invitae Variant Classification Sherloc (09022015). Collection method: clinical testing. Allele origin: germline.
Comment: This sequence change replaces glycine, which is neutral and non-polar, with serine, which is neutral and polar, at codon 263 of the CFI protein (p.Gly263Ser). This variant is not present in population databases (gnomAD no frequency). This variant has not been reported in the literature in individuals affected with CFI-related conditions. Advanced modeling of protein sequence and biophysical properties (such as structural, functional, and spatial information, amino acid conservation, physicochemical variation, residue mobility, and thermodynamic stability) performed at Invitae indicates that this missense variant is not expected to disrupt CFI protein function with a negative predictive value of 80%. In summary, the available evidence is currently insufficient to determine the role of this variant in disease. Therefore, it has been classified as a Variant of Uncertain Significance.